The following is an entry in ClinVar:

ClinVar aggregate classification (germline): Pathogenic (1 of 4 stars; one submission).

Conditions:
Hereditary breast ovarian cancer syndrome. Also called: Hereditary breast and ovarian cancer syndrome (HBOC); Hereditary breast and ovarian cancer syndrome; Breast and ovarian cancer; Hereditary breast and/or ovarian cancer syndrome; Hereditary breast and ovarian cancer; BRCA1- and BRCA2-Associated Hereditary Breast and Ovarian Cancer. Identifiers: Orphanet 145, MedGen C0677776, MeSH D061325, MONDO:0003582. Disease mechanism: loss of function.

Submission:

Labcorp Genetics (formerly Invitae), Labcorp
Classification: Pathogenic for Hereditary breast ovarian cancer syndrome. Last evaluated: 2017-04-11. Review status: criteria provided, single submitter. Criteria: Invitae Variant Classification Sherloc (09022015). Collection method: clinical testing. Allele origin: germline.
Comment: For these reasons, this variant has been classified as Pathogenic. While this particular variant has not been reported in the literature, loss-of-function variants, including gross deletions in BRCA2, are known to be pathogenic. Similar deletions of exon 2, which include the initiator methionine residue, have been reported in families affected with breast and/or ovarian cancer (PMID: 17063271, 26026974), indicating the importance of this amino acid in BRCA2. This variant is a gross deletion of the genomic region encompassing exons 2-4 of the BRCA2 gene, which includes the initiator codon. The 5' end of this event is unknown as it extends beyond the assayed region for this gene and therefore may encompass additional genes. The 3' boundary is likely confined to intron 4 of the BRCA2 gene. This is expected to result in an absent or disrupted protein product.

Literature cited by the submitters: PubMed 17063271; PubMed 26026974.

NC_000013.11:g.(?_32316455)_(32325190_?)del

Gene: BRCA2 (BRCA2 DNA repair associated; plus strand). Cytogenetic location: 13q13.1.
Variant type: Deletion.
Identifiers: ClinVar variation 462158 (VCV000462158.9).